The following is an entry in ClinVar:

ClinVar aggregate classification (germline): Uncertain significance (1 of 4 stars; one submission).

Conditions:
Inborn genetic diseases. Identifiers: MedGen C0950123, MeSH D030342.

Submission:

Ambry Genetics
Classification: Uncertain significance for Inborn genetic diseases. Last evaluated: 2022-01-15. Review status: criteria provided, single submitter. Criteria: Ambry Variant Classification Scheme 2023. Collection method: clinical testing. Allele origin: germline.
Comment: The p.Q452R variant (also known as c.1355A>G), located in coding exon 10 of the ACD gene, results from an A to G substitution at nucleotide position 1355. The glutamine at codon 452 is replaced by arginine, an amino acid with highly similar properties. This amino acid position is conserved. In addition, this alteration is predicted to be tolerated by in silico analysis. Since supporting evidence is limited at this time, the clinical significance of this alteration remains unclear.

NM_001082486.2(ACD):c.1097A>G (p.Gln366Arg)

Gene: ACD (ACD shelterin complex subunit and telomerase recruitment factor; minus strand). Cytogenetic location: 16q22.1.
Variant type: single nucleotide variant.
Coding change: c.1097A>G on transcript NM_001082486.2 (MANE Select); coding-DNA position 1097, A replaced by G.
Protein change: p.Gln366Arg; replaces glutamine 366 with arginine.
Molecular consequence: missense variant.
Genome position (GRCh38, 1-based): chr16:67,658,095, T>C on the plus strand (A>G on the coding strand, the complement: ACD is on the minus strand). VCF-style: chr16-67658095-T-C. GRCh37 (hg19) VCF-style: chr16-67691998-T-C.
Other names: c.1010A>G, p.Gln337Arg (NM_001410884.1); c.1088A>G, p.Gln363Arg (NM_022914.3); short protein forms Q363R, Q337R, Q366R.
Identifiers: ClinVar variation 1770679 (VCV001770679.2), dbSNP rs2543598625, ClinGen allele CA396352133.